The following is an entry in ClinVar:

NM_057175.5(NAA15):c.163A>C (p.Thr55Pro)

Gene: NAA15 (N-alpha-acetyltransferase 15, NatA auxiliary subunit; plus strand). Cytogenetic location: 4q31.1.
Variant type: single nucleotide variant.
Coding change: c.163A>C on transcript NM_057175.5 (MANE Select); coding-DNA position 163, A replaced by C.
Protein change: p.Thr55Pro; replaces threonine 55 with proline.
Molecular consequence: missense variant.
Genome position (GRCh38, 1-based): chr4:139,336,871, A>C. VCF-style: chr4-139336871-A-C. GRCh37 (hg19) VCF-style: chr4-140258025-A-C.
Other names: c.163A>C, p.Thr55Pro (NM_001410842.1); short protein forms T55P.
Identifiers: ClinVar variation 4532588 (VCV004532588.1).

ClinVar aggregate classification (germline): Uncertain significance (1 of 4 stars; one submission).

Submission:

GeneDx
Classification: Uncertain significance. Last evaluated: 2025-05-27. Review status: criteria provided, single submitter. Criteria: GeneDx Variant Classification Process June 2021. Collection method: clinical testing. Allele origin: germline. Affected: yes.
Comment: Not observed at significant frequency in large population cohorts (gnomAD); In silico analysis supports that this missense variant has a deleterious effect on protein structure/function; Has not been previously published as pathogenic or benign to our knowledge